The following is an entry in ClinVar:

NM_000133.4(F9):c.1295G>C (p.Gly432Ala)

Gene: F9 (coagulation factor IX; plus strand). Cytogenetic location: Xq27.1.
Variant type: single nucleotide variant.
Coding change: c.1295G>C on transcript NM_000133.4 (MANE Select); coding-DNA position 1295, G replaced by C.
Protein change: p.Gly432Ala; replaces glycine 432 with alanine.
Molecular consequence: missense variant.
Genome position (GRCh38, 1-based): chrX:139,561,980, G>C. VCF-style: chrX-139561980-G-C. GRCh37 (hg19) VCF-style: chrX-138644139-G-C.
Other names: c.1181G>C, p.Gly394Ala (NM_001313913.2); short protein forms G394A, G432A.
Identifiers: ClinVar variation 837906 (VCV000837906.9), dbSNP rs1928130497, ClinGen allele CA414447161.

ClinVar aggregate classification (germline): Likely pathogenic (1 of 4 stars; one submission).

Conditions:
Thrombophilia, X-linked, due to factor 9 defect. Identifiers: MedGen C2749016, MONDO:0010432, OMIM 300807.
Hereditary factor IX deficiency disease (HEMB). Also called: F9 DEFICIENCY; FACTOR IX DEFICIENCY; PLASMA THROMBOPLASTIN COMPONENT DEFICIENCY; Hemophilia B; Christmas Disease. Identifiers: Orphanet 98879, MedGen C0008533, MeSH D002836, MONDO:0010604, OMIM 306900.

Submission:

Labcorp Genetics (formerly Invitae), Labcorp
Classification: Likely pathogenic for Thrombophilia, X-linked, due to factor 9 defect; Hereditary factor IX deficiency disease. Last evaluated: 2019-01-16. Review status: criteria provided, single submitter. Criteria: Invitae Variant Classification Sherloc (09022015). Collection method: clinical testing. Allele origin: germline.
Comment: This sequence change replaces glycine with alanine at codon 432 of the F9 protein (p.Gly432Ala). The glycine residue is highly conserved and there is a small physicochemical difference between glycine and alanine. In summary, the currently available evidence indicates that the variant is pathogenic, but additional data are needed to prove that conclusively. Therefore, this variant has been classified as Likely Pathogenic. This variant disrupts the p.Gly432 amino acid residue in F9. Other variant(s) that disrupt this residue have been observed in individuals with F9-related conditions (PMID: 9600455, 15086324), suggesting that it is a clinically significant residue. As a result, variants that disrupt this residue are likely to be causative of disease. Algorithms developed to predict the effect of missense changes on protein structure and function (SIFT, PolyPhen-2, Align-GVGD) all suggest that this variant is likely to be disruptive, but these predictions have not been confirmed by published functional studies and their clinical significance is uncertain. This variant has been observed in individuals affected with hemophilia B disease (PMID: 19699296). This variant is also known as G31278C (G386A) in the literature. This variant is not present in population databases (ExAC no frequency).

Literature cited by the submitters: PubMed 9600455; PubMed 15086324; PubMed 19699296.